The following is an entry in ClinVar:

ClinVar aggregate classification (germline): Pathogenic. Review status: criteria provided, single submitter (1 of 4 stars). 2 submissions from 2 submitters: Pathogenic (1). 1 of the submissions does not count toward it. Last evaluated 2015-09-09.

Conditions:
Cerebral visual impairment and intellectual disability.
Intellectual disability, autosomal recessive 42 (NEDDSBA). Also called: GLYCOSYLPHOSPHATIDYLINOSITOL BIOSYNTHESIS DEFECT 9; Neurodevelopmental disorder with dysmorphic features, spasticity, and brain abnormalities. Identifiers: Orphanet 88616, MedGen C4014343, MONDO:0014348, OMIM 615802.

Submissions (2):

Lupski Lab, Baylor-Hopkins CMG, Baylor College of Medicine
Classification: Pathogenic for Cerebral visual impairment and intellectual disability. Last evaluated: 2015-09-09. Review status: criteria provided, single submitter. Criteria: Bosch et al. (EJHG 2015). Collection method: research. Allele origin: maternal. Inheritance: Autosomal recessive inheritance. Affected: yes. Observed: 1 variant allele, 1 heterozygote, 1 compound heterozygote.
Comment: This study shows that diverse genetic causes underlie CVI.

OMIM
Classification: Pathogenic for NEURODEVELOPMENTAL DISORDER WITH DYSMORPHIC FEATURES, SPASTICITY, AND BRAIN ABNORMALITIES. Last evaluated: 2021-05-24. Review status: no assertion criteria provided. Collection method: literature only. Allele origin: germline. Not counted in ClinVar's aggregate classification.

Literature cited by the submitters: PubMed 25804403 (cited by Lupski Lab, Baylor-Hopkins CMG, Baylor College of Medicine and OMIM).

NM_024989.4(PGAP1):c.921_925del (p.Lys308fs)

Gene: PGAP1 (post-GPI attachment to proteins inositol deacylase 1; minus strand). Cytogenetic location: 2q33.1.
Variant type: Deletion.
Coding change: c.921_925del on transcript NM_024989.4 (MANE Select); coding-DNA positions 921 to 925, 5 bases deleted (TAAAC; older notation c.921_925delTAAAC).
Protein change: p.Lys308fs; shifts the reading frame from lysine 308.
Molecular consequence: frameshift variant. On other transcripts: 5 prime UTR variant (1).
Genome position (GRCh38, 1-based): chr2:196,897,133-196,897,137, GTTTA deleted on the plus strand (TAAAC on the coding strand, the reverse complement: PGAP1 is on the minus strand); deleting any 5 consecutive bases within chr2:196,897,133-196,897,139 gives the same sequence; the c. name uses the placement nearest the transcript's 3' end. VCF-style (leftmost placement, unchanged base first): chr2-196897132-TGTTTA-T. GRCh37 (hg19) VCF-style: chr2-197761856-TGTTTA-T.
Other names: c.399_403del, p.Lys134fs (NM_001321099.2); c.-191_-187del (NM_001321100.2); short protein forms K134fs, K308fs.
Identifiers: ClinVar variation 222980 (VCV000222980.4), dbSNP rs869025580, ClinGen allele CA352435.